The following is an entry in ClinVar:

ClinVar aggregate classification (germline): Uncertain significance. Review status: criteria provided, multiple submitters, no conflicts (2 of 4 stars). 2 submissions from 2 submitters: Uncertain significance (2). Last evaluated 2025-11-23.

Conditions:
TBX3-related disorder. Also called: TBX3-related condition.
Ulnar-mammary syndrome (UMS). Also called: SCHINZEL SYNDROME; Ulnar-mammary syndrome of Pallister; PALLISTER ULNAR-MAMMARY SYNDROME. Identifiers: Orphanet 3138, MedGen C1866994, MONDO:0008411, OMIM 181450.

gnomAD v4.1: 3 of 1,601,288 alleles (0.00019%); highest among the groups gnomAD compares: Admixed American, 0.0017%; no homozygotes.

Submissions (2):

Labcorp Genetics (formerly Invitae), Labcorp
Classification: Uncertain significance for Ulnar-mammary syndrome. Last evaluated: 2025-11-23. Review status: criteria provided, single submitter. Criteria: Invitae Variant Classification Sherloc (09022015). Collection method: clinical testing. Allele origin: germline.
Comment: This sequence change replaces serine, which is neutral and polar, with phenylalanine, which is neutral and non-polar, at codon 676 of the TBX3 protein (p.Ser676Phe). The frequency data for this variant in the population databases is considered unreliable, as metrics indicate poor data quality at this position in the gnomAD database. This variant has not been reported in the literature in individuals affected with TBX3-related conditions. An algorithm developed to predict the effect of missense changes on protein structure and function (PolyPhen-2) suggests that this variant is likely to be disruptive. In summary, the available evidence is currently insufficient to determine the role of this variant in disease. Therefore, it has been classified as a Variant of Uncertain Significance.

PreventionGenetics, part of Exact Sciences
Classification: Uncertain significance for TBX3-related condition. Last evaluated: 2025-09-24. Review status: criteria provided, single submitter. Criteria: ACMG Guidelines, 2015. Collection method: clinical testing. Allele origin: germline.
Comment: The TBX3 c.2087C>T variant is predicted to result in the amino acid substitution p.Ser696Phe. To our knowledge, this variant has not been reported in the literature. This variant is reported in 0.0031% of alleles in individuals of Latino descent in gnomAD. At this time, the clinical significance of this variant is uncertain due to the absence of conclusive functional and genetic evidence.

NM_005996.4(TBX3):c.2027C>T (p.Ser676Phe)

Gene: TBX3 (T-box transcription factor 3; minus strand). Cytogenetic location: 12q24.21.
Variant type: single nucleotide variant.
Coding change: c.2027C>T on transcript NM_005996.4 (MANE Select); coding-DNA position 2027, C replaced by T.
Protein change: p.Ser676Phe; replaces serine 676 with phenylalanine.
Molecular consequence: missense variant.
Genome position (GRCh38, 1-based): chr12:114,671,986, G>A on the plus strand (C>T on the coding strand, the complement: TBX3 is on the minus strand). VCF-style: chr12-114671986-G-A. GRCh37 (hg19) VCF-style: chr12-115109791-G-A.
Other names: c.2087C>T, p.Ser696Phe (NM_016569.4); c.2087C>T (NM_016569.3); short protein forms S696F, S676F.
Identifiers: ClinVar variation 4742818 (VCV004742818.2).